The following is an entry in ClinVar:

NM_004974.4(KCNA2):c.653dup (p.Thr219fs)

Gene: KCNA2 (potassium voltage-gated channel subfamily A member 2; minus strand). Cytogenetic location: 1p13.3.
Variant type: Duplication.
Coding change: c.653dup on transcript NM_004974.4 (MANE Select); coding-DNA position 653, one base duplicated (T; older notation c.653dupT).
Protein change: p.Thr219fs; shifts the reading frame from threonine 219.
Molecular consequence: frameshift variant.
Genome position (GRCh38, 1-based): chr1:110,604,130, A duplicated on the plus strand (T on the coding strand, the reverse complement: KCNA2 is on the minus strand); the first of 2 consecutive A bases (chr1:110,604,130-110,604,131); duplicating either gives the same sequence. VCF-style (leftmost placement, unchanged base first): chr1-110604129-G-GA. GRCh37 (hg19) VCF-style: chr1-111146751-G-GA.
Other names: c.653dup, p.Thr219fs (NM_001204269.2); short protein forms T219fs.
Identifiers: ClinVar variation 2723797 (VCV002723797.3), dbSNP rs2524619884, ClinGen allele CA2697554449.

ClinVar aggregate classification (germline): Uncertain significance (1 of 4 stars; one submission).

Conditions:
Developmental and epileptic encephalopathy, 32 (DEE32). Also called: Epileptic encephalopathy, early infantile, 32. Identifiers: Orphanet 442835, MedGen C4225350, MONDO:0014607, OMIM 616366.

Submission:

Labcorp Genetics (formerly Invitae), Labcorp
Classification: Uncertain significance for Developmental and epileptic encephalopathy, 32. Last evaluated: 2023-05-25. Review status: criteria provided, single submitter. Criteria: Invitae Variant Classification Sherloc (09022015). Collection method: clinical testing. Allele origin: germline.
Comment: Experimental studies and prediction algorithms are not available or were not evaluated, and the functional significance of this variant is currently unknown. This sequence change creates a premature translational stop signal (p.Thr219Hisfs*18) in the KCNA2 gene. While this is not anticipated to result in nonsense mediated decay, it is expected to disrupt the last 281 amino acid(s) of the KCNA2 protein. This variant is not present in population databases (gnomAD no frequency). This variant has not been reported in the literature in individuals affected with KCNA2-related conditions. In summary, the available evidence is currently insufficient to determine the role of this variant in disease. Therefore, it has been classified as a Variant of Uncertain Significance.